The following is an entry in ClinVar:

ClinVar aggregate classification (germline): Uncertain significance (1 of 4 stars; one submission).

Conditions:
Bardet-Biedl syndrome 20. Identifiers: MedGen C4310707, MONDO:0023670, OMIM 619471, MONDO:0014926.

Submission:

MVZ Medizinische Genetik Mainz
Classification: Uncertain significance for Bardet-Biedl syndrome 20. Last evaluated: 2025-07-16. Review status: criteria provided, single submitter. Criteria: UK Practice Guidelines For Variant Classification V4 01 2020. Collection method: clinical testing. Allele origin: germline. Inheritance: Autosomal recessive inheritance. Affected: yes. Observed: 1 variant allele.
Comment: ACMG Criteria: PM2_SUP,PM3_SUP

NM_015662.3(IFT172):c.2528A>C (p.Glu843Ala)

Genes: IFT172 (intraflagellar transport 172; minus strand), LOC126806174 (CDK7 strongly-dependent group 2 enhancer GRCh37_chr2:27681686-27682885; plus strand). Cytogenetic location: 2p23.3.
Variant type: single nucleotide variant.
Coding change: c.2528A>C on transcript NM_015662.3 (MANE Select); coding-DNA position 2528, A replaced by C.
Protein change: p.Glu843Ala; replaces glutamic acid 843 with alanine.
Molecular consequence: missense variant.
Genome position (GRCh38, 1-based): chr2:27,459,823, T>G on the plus strand (A>C on the coding strand, the complement: IFT172 is on the minus strand). VCF-style: chr2-27459823-T-G. GRCh37 (hg19) VCF-style: chr2-27682690-T-G.
Other names: c.2462A>C, p.Glu821Ala (NM_001410739.1); short protein forms E821A, E843A.
Identifiers: ClinVar variation 4072233 (VCV004072233.1).
Genomic context (GRCh38, chr2:27,459,823, plus strand): 5'-TGGTCCCCCCATGCCTCCTCTAGTTTCACCACCTCCACTGGGAAGGCCAATCGAGCCAGC[T>G]CTACCGCTGCCAGGGAGAGAAAAGATGCTCAGCCCAGATTTCCAGGGATGGGCCTCAGGA-3'
Protein context (NP_056477.1, residues 833-853): RKGNAFMKAV[Glu843Ala]LARLAFPVEV